The following is an entry in ClinVar:

ClinVar aggregate classification (germline): Pathogenic/Likely pathogenic. Review status: criteria provided, multiple submitters, no conflicts (2 of 4 stars). 3 submissions from 3 submitters: Pathogenic (1); Likely pathogenic (1). 1 of the submissions does not count toward it. Last evaluated 2022-03-10.

Conditions:
TNF receptor-associated periodic fever syndrome (TRAPS) (FPF). Also called: FAMILIAL HIBERNIAN FEVER; TNF RECEPTOR-ASSOCIATED PERIODIC SYNDROME; TUMOR NECROSIS FACTOR RECEPTOR-ASSOCIATED PERIODIC SYNDROME; TNF Receptor-Associated Periodic Fever Syndrome; TNF receptor 1-associated periodic fever syndrome; Autosomal Dominant Familial Periodic Fever. Identifiers: Orphanet 32960, MedGen C1275126, MONDO:0007727, OMIM 142680.

Submissions (3):

MGZ Medical Genetics Center
Classification: Likely pathogenic for TNF receptor-associated periodic fever syndrome (TRAPS). Last evaluated: 2022-03-10. Review status: criteria provided, single submitter. Criteria: ACMG Guidelines, 2015. Collection method: clinical testing. Allele origin: germline. Affected: yes. Observed: 1 variant allele.
Comment: ACMG criteria applied: PS4_MOD, PS3_SUP, PM1_SUP, PM2_SUP, PP1

CeGaT Center for Human Genetics Tuebingen
Classification: Pathogenic. Last evaluated: 2020-06-01. Review status: criteria provided, single submitter. Criteria: CeGaT Center For Human Genetics Tuebingen Variant Classification Criteria Version 2. Collection method: clinical testing. Allele origin: germline. Affected: yes. Observed: 2 variant alleles.

Unité médicale des maladies autoinflammatoires, CHRU Montpellier
No classification provided. Condition: TNF receptor-associated periodic fever syndrome (TRAPS). Review status: no classification provided. Collection method: not provided. Allele origin: unknown. Not counted in ClinVar's aggregate classification.

NM_001065.4(TNFRSF1A):c.596T>A (p.Ile199Asn)

Gene: TNFRSF1A (TNF receptor superfamily member 1A; minus strand). Cytogenetic location: 12p13.31.
Variant type: single nucleotide variant.
Coding change: c.596T>A on transcript NM_001065.4 (MANE Select); coding-DNA position 596, T replaced by A.
Protein change: p.Ile199Asn; replaces isoleucine 199 with asparagine.
Molecular consequence: missense variant.
Genome position (GRCh38, 1-based): chr12:6,330,882, A>T on the plus strand (T>A on the coding strand, the complement: TNFRSF1A is on the minus strand). VCF-style: chr12-6330882-A-T. GRCh37 (hg19) VCF-style: chr12-6440048-A-T.
Other names: c.272T>A, p.Ile91Asn (NM_001346091.2); c.137T>A, p.Ile46Asn (NM_001346092.2); short protein forms I199N, I46N, I91N.
Identifiers: ClinVar variation 97710 (VCV000097710.44), dbSNP rs104895247, ClinGen allele CA280877.